The following is an entry in ClinVar:

NM_139057.4(ADAMTS17):c.*116T>C

Gene: ADAMTS17 (ADAM metallopeptidase with thrombospondin type 1 motif 17; minus strand). Cytogenetic location: 15q26.3.
Variant type: single nucleotide variant.
Coding change: c.*116T>C on transcript NM_139057.4 (MANE Select); 116 bases downstream of the stop codon, T replaced by C.
Molecular consequence: 3 prime UTR variant.
Genome position (GRCh38, 1-based): chr15:99,974,286, A>G on the plus strand (T>C on the coding strand, the complement: ADAMTS17 is on the minus strand). VCF-style: chr15-99974286-A-G. GRCh37 (hg19) VCF-style: chr15-100514491-A-G.
Identifiers: ClinVar variation 315242 (VCV000315242.6), dbSNP rs143850369, ClinGen allele CA10646904.

ClinVar aggregate classification (germline): Benign. Review status: criteria provided, multiple submitters, no conflicts (2 of 4 stars). 2 submissions from 2 submitters: Benign (2). Last evaluated 2018-01-13.

Conditions:
Weill-Marchesani 4 syndrome, recessive. Also called: Weill-Marchesani syndrome 4. Identifiers: Orphanet 363992, MedGen C2750787, MONDO:0013176, OMIM 613195.

Allele frequency attached by ClinVar (database versions not stated): gnomAD exomes 0.00106; gnomAD 0.00847 and 0.00911; 1000 Genomes Project 30x 0.00890; 1000 Genomes Project 0.00919; TOPMed 0.00984.
gnomAD v4.1: 2,612 of 1,329,908 alleles (0.2%); highest among the groups gnomAD compares: African/African-American, 2.9%; 32 homozygotes.

Submissions (2):

Illumina Laboratory Services, Illumina
Classification: Benign for Weill-Marchesani 4 syndrome, recessive. Last evaluated: 2018-01-13. Review status: criteria provided, single submitter. Criteria: ICSL Variant Classification Criteria 13 December 2019. Collection method: clinical testing. Allele origin: germline.
Comment: This variant was observed in the ICSL laboratory as part of a predisposition screen in an ostensibly healthy population. It had not been previously curated by ICSL or reported in the Human Gene Mutation Database (HGMD: prior to June 1st, 2018), and was therefore a candidate for classification through an automated scoring system. Utilizing variant allele frequency, disease prevalence and penetrance estimates, and inheritance mode, an automated score was calculated to assess if this variant is too frequent to cause the disease. Based on the score and internal cut-off values, a variant classified as benign is not then subjected to further curation. The score for this variant resulted in a classification of benign for this disease.

Breakthrough Genomics
Classification: Benign. Review status: criteria provided, single submitter. Criteria: ACMG Guidelines, 2015. Collection method: not provided. Allele origin: germline. Inheritance: Autosomal recessive inheritance. Affected: yes.